The following is an entry in ClinVar:

NM_000059.4(BRCA2):c.9902C>T (p.Pro3301Leu)

Gene: BRCA2 (BRCA2 DNA repair associated; plus strand). Cytogenetic location: 13q13.1.
Variant type: single nucleotide variant.
Coding change: c.9902C>T on transcript NM_000059.4 (MANE Select); coding-DNA position 9902, C replaced by T.
Protein change: p.Pro3301Leu; replaces proline 3301 with leucine.
Molecular consequence: missense variant.
Genome position (GRCh38, 1-based): chr13:32,398,415, C>T. VCF-style: chr13-32398415-C-T. GRCh37 (hg19) VCF-style: chr13-32972552-C-T.
Other names: short protein forms P3301L.
Identifiers: ClinVar variation 489802 (VCV000489802.18), dbSNP rs1555289999, ClinGen allele CA387766931.

ClinVar aggregate classification (germline): Uncertain significance. Review status: criteria provided, multiple submitters, no conflicts (2 of 4 stars). 4 submissions from 4 submitters: Uncertain significance (4). Last evaluated 2025-12-31.

Conditions:
Hereditary breast ovarian cancer syndrome. Also called: Hereditary breast and/or ovarian cancer syndrome; Hereditary breast and ovarian cancer syndrome; Hereditary breast and ovarian cancer; Hereditary breast and ovarian cancer syndrome (HBOC); Breast and ovarian cancer; BRCA1- and BRCA2-Associated Hereditary Breast and Ovarian Cancer. Identifiers: Orphanet 145, MedGen C0677776, MeSH D061325, MONDO:0003582. Disease mechanism: loss of function.
Hereditary cancer-predisposing syndrome. Also called: Tumor predisposition; Hereditary Cancer Syndrome; Neoplastic Syndromes, Hereditary; Hereditary neoplastic syndrome. Identifiers: Orphanet 140162, MedGen C0027672, MeSH D009386, MONDO:0015356.
Breast-ovarian cancer, familial, susceptibility to, 2 (BROVCA2). Also called: BRCA2 Hereditary Breast and Ovarian Cancer. Identifiers: Orphanet 145, MedGen C2675520, MONDO:0012933, OMIM 612555. Disease mechanism: loss of function.

Submissions (4):

Ambry Genetics
Classification: Uncertain significance for Hereditary cancer-predisposing syndrome. Last evaluated: 2025-12-31. Review status: criteria provided, single submitter. Criteria: Ambry Variant Classification Scheme 2023. Collection method: clinical testing. Allele origin: germline.
Comment: The p.P3301L variant (also known as c.9902C>T), located in coding exon 26 of the BRCA2 gene, results from a C to T substitution at nucleotide position 9902. The proline at codon 3301 is replaced by leucine, an amino acid with similar properties. This amino acid position is highly conserved in available vertebrate species. In addition, this alteration is predicted to be tolerated by in silico analysis. Based on the available evidence, the clinical significance of this variant remains unclear.

All of Us Research Program, National Institutes of Health
Classification: Uncertain significance for Breast-ovarian cancer, familial, susceptibility to, 2. Last evaluated: 2023-12-18. Review status: criteria provided, single submitter. Criteria: ACMG Guidelines, 2015. Collection method: clinical testing. Allele origin: germline. Inheritance: Autosomal dominant inheritance. Observed: 2 variant alleles, 2 heterozygotes.
Comment: This missense variant replaces proline with leucine at codon 3301 of the BRCA2 protein. Computational prediction suggests that this variant may not impact protein structure and function (internally defined REVEL score threshold <= 0.5, PMID: 27666373). A functional study has shown that this variant has neutral impact on sensitivity to PARP inhibitors (PMID: 32444794). This variant has not been reported in individuals affected with BRCA2-related disorders in the literature. This variant has not been identified in the general population by the Genome Aggregation Database (gnomAD). The available evidence is insufficient to determine the role of this variant in disease conclusively. Therefore, this variant is classified as a Variant of Uncertain Significance.

This study involves interpretation of variants in research participants for the purpose of population health screening. Participant phenotype was not available at the time of variant classification. Additional details can be found in publication PMID: 35346344, PMCID: PMC8962531

Color Diagnostics, LLC DBA Color Health
Classification: Uncertain significance for Hereditary cancer-predisposing syndrome. Last evaluated: 2023-02-01. Review status: criteria provided, single submitter. Criteria: ACMG Guidelines, 2015. Collection method: clinical testing. Allele origin: germline.
Comment: This missense variant replaces proline with leucine at codon 3301 of the BRCA2 protein. Computational prediction suggests that this variant may not impact protein structure and function (internally defined REVEL score threshold <= 0.5, PMID: 27666373). A functional study has shown that this variant has neutral impact on sensitivity to PARP inhibitors (PMID: 32444794). This variant has not been reported in individuals affected with BRCA2-related disorders in the literature. This variant has not been identified in the general population by the Genome Aggregation Database (gnomAD). The available evidence is insufficient to determine the role of this variant in disease conclusively. Therefore, this variant is classified as a Variant of Uncertain Significance.

Labcorp Genetics (formerly Invitae), Labcorp
Classification: Uncertain significance for Hereditary breast ovarian cancer syndrome. Last evaluated: 2021-01-10. Review status: criteria provided, single submitter. Criteria: Invitae Variant Classification Sherloc (09022015). Collection method: clinical testing. Allele origin: germline.
Comment: In summary, the available evidence is currently insufficient to determine the role of this variant in disease. Therefore, it has been classified as a Variant of Uncertain Significance. This sequence change replaces proline with leucine at codon 3301 of the BRCA2 protein (p.Pro3301Leu). The proline residue is highly conserved and there is a moderate physicochemical difference between proline and leucine. This variant is not present in population databases (ExAC no frequency). This variant has not been reported in the literature in individuals with BRCA2-related conditions. ClinVar contains an entry for this variant (Variation ID: 489802). Algorithms developed to predict the effect of missense changes on protein structure and function (SIFT, PolyPhen-2, Align-GVGD) all suggest that this variant is likely to be disruptive, but these predictions have not been confirmed by published functional studies and their clinical significance is uncertain.

Literature cited by the submitters: PubMed 32444794 (cited by All of Us Research Program, National Institutes of Health and Color Diagnostics, LLC DBA Color Health).